The following is an entry in ClinVar:

NM_000179.3(MSH6):c.3575T>A (p.Val1192Asp)

Gene: MSH6 (mutS homolog 6; plus strand). Cytogenetic location: 2p16.3.
Variant type: single nucleotide variant.
Coding change: c.3575T>A on transcript NM_000179.3 (MANE Select); coding-DNA position 3575, T replaced by A.
Protein change: p.Val1192Asp; replaces valine 1192 with aspartic acid.
Molecular consequence: missense variant.
Genome position (GRCh38, 1-based): chr2:47,805,636, T>A. VCF-style: chr2-47805636-T-A. GRCh37 (hg19) VCF-style: chr2-48032775-T-A.
Other names: c.3185T>A, p.Val1062Asp (NM_001281492.2); c.2669T>A, p.Val890Asp (NM_001281493.2, NM_001281494.2); short protein forms V890D, V1062D, V1192D.
Identifiers: ClinVar variation 823947 (VCV000823947.6), dbSNP rs1572741755, ClinGen allele CA346760501.

ClinVar aggregate classification (germline): Uncertain significance. Review status: criteria provided, multiple submitters, no conflicts (2 of 4 stars). 2 submissions from 2 submitters: Uncertain significance (2). Last evaluated 2025-02-19.

Conditions:
Hereditary cancer-predisposing syndrome. Also called: Neoplastic Syndromes, Hereditary; Tumor predisposition; Hereditary neoplastic syndrome; Hereditary Cancer Syndrome. Identifiers: Orphanet 140162, MedGen C0027672, MeSH D009386, MONDO:0015356.
Lynch syndrome. Identifiers: Orphanet 144, MedGen C4552100, MONDO:0005835. Disease mechanism: loss of function.

Allele frequency attached by ClinVar (database versions not stated): gnomAD exomes below 0.00001.
gnomAD v4.1: 1 of 1,613,308 alleles (0.000062%); highest among the groups gnomAD compares: East Asian, 0.0022%; no homozygotes.

Submissions (2):

Ambry Genetics
Classification: Uncertain significance for Hereditary cancer-predisposing syndrome. Last evaluated: 2025-02-19. Review status: criteria provided, single submitter. Criteria: Ambry Variant Classification Scheme 2023. Collection method: clinical testing. Allele origin: germline.
Comment: The p.V1192D variant (also known as c.3575T>A), located in coding exon 7 of the MSH6 gene, results from a T to A substitution at nucleotide position 3575. The valine at codon 1192 is replaced by aspartic acid, an amino acid with highly dissimilar properties. This alteration has been identified in cohorts of Chinese breast cancer patients (Wang J et al. Cancer Med, 2019 05;8:2074-2084; Hu L et al. NPJ Breast Cancer, 2022 Apr;8:52). This amino acid position is highly conserved in available vertebrate species. In addition, this alteration is predicted to be deleterious by in silico analysis. Based on the available evidence, the clinical significance of this variant remains unclear.

All of Us Research Program, National Institutes of Health
Classification: Uncertain significance for Lynch syndrome. Last evaluated: 2024-08-06. Review status: criteria provided, single submitter. Criteria: ACMG Guidelines, 2015. Collection method: clinical testing. Allele origin: germline. Inheritance: Autosomal dominant inheritance. Observed: 1 variant allele, 1 heterozygote.
Comment: This study involves interpretation of variants in research participants for the purpose of population health screening. Participant phenotype was not available at the time of variant classification. Additional details can be found in publication PMID: 35346344, PMCID: PMC8962531

Literature cited by the submitters: PubMed 30982232 (cited by Ambry Genetics); PubMed 35449176 (cited by Ambry Genetics).